The following is an entry in ClinVar:

NM_018979.4(WNK1):c.3202G>A (p.Val1068Ile)

Gene: WNK1 (WNK lysine deficient protein kinase 1; plus strand). Cytogenetic location: 12p13.33.
Variant type: single nucleotide variant.
Coding change: c.3202G>A on transcript NM_018979.4 (MANE Select); coding-DNA position 3202, G replaced by A.
Protein change: p.Val1068Ile; replaces valine 1068 with isoleucine.
Molecular consequence: missense variant.
Genome position (GRCh38, 1-based): chr12:881,782, G>A. VCF-style: chr12-881782-G-A. GRCh37 (hg19) VCF-style: chr12-990948-G-A.
Other names: c.3982G>A, p.Val1328Ile (NM_001184985.2); c.2461G>A, p.Val821Ile (NM_014823.3); c.3958G>A, p.Val1320Ile (NM_213655.5); short protein forms V1068I, V1328I, V1320I, V821I.
Identifiers: ClinVar variation 1445187 (VCV001445187.8), dbSNP rs538266658, ClinGen allele CA383327749.
Genomic context (GRCh38, chr12:881,782, plus strand): 5'-GCAGAGCCAGTTGCAGTAGCACAGACCCAAGCTACCCAGCCGACCACTTTGGCTTCCTCT[G>A]TAGACAGGTACGTAAAACTAGAATTCTCCTTCCTTGACTGGTAAATAAGACGGTATGAAA-3'
Protein context (NP_061852.3, residues 1058-1078): ATQPTTLASS[Val1068Ile]DSAHSDVASG

ClinVar aggregate classification (germline): Uncertain significance (1 of 4 stars; one submission).

Conditions:
Neuropathy, hereditary sensory and autonomic, type 2A (HSAN2A). Also called: ACROOSTEOLYSIS, GIACCAI TYPE; ACROOSTEOLYSIS, NEUROGENIC; MORVAN DISEASE; NEUROPATHY, CONGENITAL SENSORY; NEUROPATHY, HEREDITARY SENSORY RADICULAR, AUTOSOMAL RECESSIVE; NEUROPATHY, HEREDITARY SENSORY, TYPE IIA. Identifiers: Orphanet 970, MedGen C2752089, MONDO:0024309, OMIM 201300.
Pseudohypoaldosteronism type 2C (PHA2C). Also called: Pseudohypoaldosteronism Type IIC. Identifiers: Orphanet 757, Orphanet 88940, MedGen C1840391, MONDO:0013778, OMIM 614492.

Submission:

Labcorp Genetics (formerly Invitae), Labcorp
Classification: Uncertain significance for Neuropathy, hereditary sensory and autonomic, type 2A; Pseudohypoaldosteronism type 2C. Last evaluated: 2021-03-10. Review status: criteria provided, single submitter. Criteria: Invitae Variant Classification Sherloc (09022015). Collection method: clinical testing. Allele origin: germline.
Comment: This variant is not present in population databases (ExAC no frequency). This sequence change replaces valine with isoleucine at codon 1320 of the WNK1 protein (p.Val1320Ile). The valine residue is weakly conserved and there is a small physicochemical difference between valine and isoleucine. This variant has not been reported in the literature in individuals with WNK1-related conditions. Advanced modeling of protein sequence and biophysical properties (such as structural, functional, and spatial information, amino acid conservation, physicochemical variation, residue mobility, and thermodynamic stability) performed at Invitae indicates that this missense variant is not expected to disrupt WNK1 protein function. In summary, the available evidence is currently insufficient to determine the role of this variant in disease. Therefore, it has been classified as a Variant of Uncertain Significance.